The following is an entry in ClinVar:

ClinVar aggregate classification (germline): Conflicting classifications of pathogenicity. Review status: criteria provided, conflicting classifications (1 of 4 stars). 6 submissions from 6 submitters: Uncertain significance (5); Likely benign (1). Last evaluated 2026-01-17.

Conditions:
COL11A1-related disorder. Also called: COL11A1-related condition; COL11A1-related disorders.
Stickler syndrome type 2 (STL2). Also called: STICKLER SYNDROME, BEADED VITREOUS TYPE; STICKLER SYNDROME, VITREOUS TYPE 2; COL11A1-Related Stickler Syndrome; STICKLER SYNDROME, TYPE II. Identifiers: Orphanet 828, Orphanet 90654, MedGen C1858084, MONDO:0011493, OMIM 604841.
Marshall syndrome (MRSHS). Identifiers: Orphanet 560, MedGen C0265235, MONDO:0007949, OMIM 154780.
Fibrochondrogenesis 1 (FBCG1). Identifiers: Orphanet 2021, MedGen C3278138, MONDO:0009226, OMIM 228520.

Allele frequency attached by ClinVar (database versions not stated): TOPMed 0.00002; gnomAD 0.00003 and 0.00004; gnomAD exomes 0.00014 and 0.00001.
gnomAD v4.1: 208 of 1,605,984 alleles (0.013%); highest among the groups gnomAD compares: Non-Finnish European, 0.017%; no homozygotes.

Submissions (6):

Labcorp Genetics (formerly Invitae), Labcorp
Classification: Likely benign. Last evaluated: 2026-01-17. Review status: criteria provided, single submitter. Criteria: Invitae Variant Classification Sherloc (09022015). Collection method: clinical testing. Allele origin: germline.

Women's Health and Genetics/Laboratory Corporation of America, LabCorp
Classification: Uncertain significance. Last evaluated: 2024-11-13. Review status: criteria provided, single submitter. Criteria: LabCorp Variant Classification Summary - May 2015. Collection method: clinical testing. Allele origin: germline.
Comment: Variant summary: COL11A1 c.281C>T (p.Thr94Ile) results in a non-conservative amino acid change located in the Thrombospondin N-terminal -like domains. (IPR048287) of the encoded protein sequence. Four of five in-silico tools predict a benign effect of the variant on protein function. The variant allele was found at a frequency of 1.2e-05 in 241048 control chromosomes. The available data on variant occurrences in the general population are insufficient to allow any conclusion about variant significance. To our knowledge, no occurrence of c.281C>T in individuals affected with Stickler Syndrome and no experimental evidence demonstrating its impact on protein function have been reported. ClinVar contains an entry for this variant (Variation ID: 973080). Based on the evidence outlined above, the variant was classified as uncertain significance.

Blueprint Genetics
Classification: Uncertain significance. Last evaluated: 2024-04-10. Review status: criteria provided, single submitter. Criteria: ACMG Guidelines, 2015. Collection method: clinical testing. Allele origin: germline.

CeGaT Center for Human Genetics Tuebingen
Classification: Uncertain significance. Last evaluated: 2024-04-01. Review status: criteria provided, single submitter. Criteria: CeGaT Center For Human Genetics Tuebingen Variant Classification Criteria Version 2. Collection method: clinical testing. Allele origin: germline. Affected: yes. Observed: 1 variant allele.
Comment: COL11A1: PM2, BP4

PreventionGenetics, part of Exact Sciences
Classification: Uncertain significance for COL11A1-related condition. Last evaluated: 2023-08-24. Review status: criteria provided, single submitter. Criteria: ACMG Guidelines, 2015. Collection method: clinical testing. Allele origin: germline.
Comment: The COL11A1 c.281C>T variant is predicted to result in the amino acid substitution p.Thr94Ile. To our knowledge, this variant has not been reported in the literature. This variant is reported in 0.0033% of alleles in individuals of European (Non-Finnish) descent in gnomAD. At this time, the clinical significance of this variant is uncertain due to the absence of conclusive functional and genetic evidence.

GeneDx
Classification: Uncertain significance. Last evaluated: 2022-12-30. Review status: criteria provided, single submitter. Criteria: GeneDx Variant Classification Process June 2021. Collection method: clinical testing. Allele origin: germline. Affected: yes.
Comment: Not observed at significant frequency in large population cohorts (gnomAD); In silico analysis, which includes protein predictors and evolutionary conservation, supports that this variant does not alter protein structure/function; Has not been previously published as pathogenic or benign to our knowledge

NM_001854.4(COL11A1):c.281C>T (p.Thr94Ile)

Gene: COL11A1 (collagen type XI alpha 1 chain; minus strand). Cytogenetic location: 1p21.1.
Variant type: single nucleotide variant.
Coding change: c.281C>T on transcript NM_001854.4 (MANE Select); coding-DNA position 281, C replaced by T.
Protein change: p.Thr94Ile; replaces threonine 94 with isoleucine.
Molecular consequence: missense variant. On other transcripts: non-coding transcript variant (1).
Genome position (GRCh38, 1-based): chr1:103,078,865, G>A on the plus strand (C>T on the coding strand, the complement: COL11A1 is on the minus strand). VCF-style: chr1-103078865-G-A. GRCh37 (hg19) VCF-style: chr1-103544421-G-A.
Other names: c.281C>T, p.Thr94Ile (NM_001190709.2, NM_080629.3, NM_080630.4); short protein forms T94I.
Identifiers: ClinVar variation 973080 (VCV000973080.38), dbSNP rs1283924469, ClinGen allele CA341168079.